The following is an entry in ClinVar:

ClinVar aggregate classification (germline): Likely benign. Review status: criteria provided, multiple submitters, no conflicts (2 of 4 stars). 2 submissions from 2 submitters: Likely benign (2). Last evaluated 2025-12-01.

Conditions:
Early-infantile DEE. Also called: Ohtahara syndrome; Early infantile epileptic encephalopathy with suppression bursts; Early infantile epileptic encephalopathy. Identifiers: Orphanet 1934, MedGen C0393706, MONDO:0800491.

Allele frequency attached by ClinVar (database versions not stated): gnomAD 0.00001; gnomAD exomes 0.00002 and 0.00004; TOPMed 0.00003; ExAC 0.00004.
gnomAD v4.1: 57 of 1,613,664 alleles (0.0035%); highest among the groups gnomAD compares: Admixed American, 0.0067%; no homozygotes.

Submissions (2):

Labcorp Genetics (formerly Invitae), Labcorp
Classification: Likely benign for Early-infantile DEE. Last evaluated: 2025-12-01. Review status: criteria provided, single submitter. Criteria: Invitae Variant Classification Sherloc (09022015). Collection method: clinical testing. Allele origin: germline.

GeneDx
Classification: Likely benign. Last evaluated: 2015-12-30. Review status: criteria provided, single submitter. Criteria: GeneDx Variant Classification (06012015). Collection method: clinical testing. Allele origin: germline. Affected: yes.
Comment: This variant is considered likely benign or benign based on one or more of the following criteria: it is a conservative change, it occurs at a poorly conserved position in the protein, it is predicted to be benign by multiple in silico algorithms, and/or has population frequency not consistent with disease.

NM_172107.4(KCNQ2):c.816+9T>C

Gene: KCNQ2 (potassium voltage-gated channel subfamily Q member 2; minus strand). Cytogenetic location: 20q13.33.
Variant type: single nucleotide variant.
Coding change: c.816+9T>C on transcript NM_172107.4 (MANE Select); 9 bases into the intron after coding-DNA position 816, T replaced by C.
Molecular consequence: intron variant.
Genome position (GRCh38, 1-based): chr20:63,442,397, A>G on the plus strand (T>C on the coding strand, the complement: KCNQ2 is on the minus strand). VCF-style: chr20-63442397-A-G. GRCh37 (hg19) VCF-style: chr20-62073750-A-G.
Other names: c.816+9T>C (NM_004518.6, NM_172108.5, NM_172106.3 and 1 more transcripts).
Identifiers: ClinVar variation 339334 (VCV000339334.12), dbSNP rs772235691, ClinGen allele CA9958734.